The following is an entry in ClinVar:

NM_018117.12(WDR11):c.1944G>A (p.Glu648=)

Gene: WDR11 (WD repeat domain 11; plus strand). Cytogenetic location: 10q26.12.
Variant type: single nucleotide variant.
Coding change: c.1944G>A on transcript NM_018117.12 (MANE Select); coding-DNA position 1944, G replaced by A.
Protein change: p.Glu648=; no amino-acid change (glutamic acid 648 retained).
Molecular consequence: synonymous variant.
Genome position (GRCh38, 1-based): chr10:120,885,909, G>A. VCF-style: chr10-120885909-G-A. GRCh37 (hg19) VCF-style: chr10-122645421-G-A.
Identifiers: ClinVar variation 695275 (VCV000695275.21), dbSNP rs117443476, ClinGen allele CA5719868.
Genomic context (GRCh38, chr10:120,885,909, plus strand): 5'-AAAGAAGCAACTTGCAACTCGAGAGGCCATGGCCCGCCAGACCGTAGTCTCAGACACAGA[G>A]CTGAGTATTGTTGAATCATCTGTGATCAGGTACAGTACAGTGTTTCTTGACACTGTCATT-3'
Protein context (NP_060587.8, residues 638-658): MARQTVVSDT[Glu648=]LSIVESSVIS

ClinVar aggregate classification (germline): Benign/Likely benign. Review status: criteria provided, multiple submitters, no conflicts (2 of 4 stars). 5 submissions from 5 submitters: Benign (2); Likely benign (2). 1 of the submissions does not count toward it. Last evaluated 2025-03-01.

Conditions:
WDR11-related disorder. Also called: WDR11-related condition.

Allele frequency attached by ClinVar (database versions not stated): ESP Exome Variant Server 0.00008; gnomAD 0.00028 and 0.00050; gnomAD exomes 0.00048 and 0.00103; TOPMed 0.00073; ExAC 0.00109; 1000 Genomes Project 0.00240; 1000 Genomes Project 30x 0.00250.
gnomAD v4.1: 783 of 1,613,756 alleles (0.049%); highest among the groups gnomAD compares: East Asian, 1.5%; 7 homozygotes.

Submissions (5):

CeGaT Center for Human Genetics Tuebingen
Classification: Likely benign. Last evaluated: 2025-03-01. Review status: criteria provided, single submitter. Criteria: CeGaT Center For Human Genetics Tuebingen Variant Classification Criteria Version 2. Collection method: clinical testing. Allele origin: germline. Affected: yes. Observed: 1 variant allele.
Comment: WDR11: BP4, BP7, BS1

Blueprint Genetics
Classification: Likely benign. Last evaluated: 2024-10-28. Review status: criteria provided, single submitter. Criteria: ACMG Guidelines, 2015. Collection method: clinical testing. Allele origin: germline.

Labcorp Genetics (formerly Invitae), Labcorp
Classification: Benign. Last evaluated: 2024-05-17. Review status: criteria provided, single submitter. Criteria: Invitae Variant Classification Sherloc (09022015). Collection method: clinical testing. Allele origin: germline.

Breakthrough Genomics
Classification: Benign. Review status: criteria provided, single submitter. Criteria: ACMG Guidelines, 2015. Collection method: not provided. Allele origin: germline. Inheritance: Autosomal dominant inheritance. Affected: yes.

PreventionGenetics, part of Exact Sciences
Classification: Benign for WDR11-related condition. Last evaluated: 2019-08-01. Review status: no assertion criteria provided. Collection method: clinical testing. Allele origin: germline. Not counted in ClinVar's aggregate classification.
Comment: This variant is classified as benign based on ACMG/AMP sequence variant interpretation guidelines (Richards et al. 2015 PMID: 25741868, with internal and published modifications).